The following is an entry in ClinVar:

ClinVar aggregate classification (germline): Uncertain significance (1 of 4 stars; one submission).

Conditions:
Cardiovascular phenotype. Identifiers: MedGen CN230736.

Submission:

Ambry Genetics
Classification: Uncertain significance for Cardiovascular phenotype. Last evaluated: 2018-08-07. Review status: criteria provided, single submitter. Criteria: Ambry Variant Classification Scheme 2023. Collection method: clinical testing. Allele origin: germline.
Comment: The p.D3039E variant (also known as c.9117T>G), located in coding exon 38 of the ANK2 gene, results from a T to G substitution at nucleotide position 9117. This exon is expressed solely in brain (Mohler PJ et al. Circulation. 2007;115(4):432-41). The aspartic acid at codon 3039 is replaced by glutamic acid, an amino acid with highly similar properties. This amino acid position is well conserved in available vertebrate species; however, glutamic acid is the reference amino acid in other vertebrate species. In addition, this alteration is predicted to be tolerated by in silico analysis. Since supporting evidence is limited at this time, the clinical significance of this alteration remains unclear.

NM_001148.6(ANK2):c.9117T>G (p.Asp3039Glu)

Gene: ANK2 (ankyrin 2; plus strand). Cytogenetic location: 4q26.
Variant type: single nucleotide variant.
Coding change: c.9117T>G on transcript NM_001148.6 (MANE Select); coding-DNA position 9117, T replaced by G.
Protein change: p.Asp3039Glu; replaces aspartic acid 3039 with glutamic acid.
Molecular consequence: missense variant. On other transcripts: intron variant (68).
Genome position (GRCh38, 1-based): chr4:113,357,735, T>G. VCF-style: chr4-113357735-T-G. GRCh37 (hg19) VCF-style: chr4-114278891-T-G.
Other names: c.8883T>G, p.Asp2961Glu (NM_001386142.1); c.5517T>G, p.Asp1839Glu (NM_001386166.1); c.9258T>G, p.Asp3086Glu (NM_001386174.1); c.9234T>G, p.Asp3078Glu (NM_001386175.1); c.4412-3088T>G (NM_001386186.2, NM_001386148.2); c.4214-3088T>G (NM_001354269.3); c.4292-3088T>G (NM_001386187.2); c.4253-3088T>G (NM_001386147.1); and 35 more; short protein forms D3078E, D1839E, D2961E, D3039E, D3086E.
Identifiers: ClinVar variation 1765859 (VCV001765859.2), dbSNP rs2505927119, ClinGen allele CA357936626.